The following is an entry in ClinVar:

NM_014795.4(ZEB2):c.3337T>A (p.Leu1113Met)

Gene: ZEB2 (zinc finger E-box binding homeobox 2; minus strand). Cytogenetic location: 2q22.3.
Variant type: single nucleotide variant.
Coding change: c.3337T>A on transcript NM_014795.4 (MANE Select); coding-DNA position 3337, T replaced by A.
Protein change: p.Leu1113Met; replaces leucine 1113 with methionine.
Molecular consequence: missense variant.
Genome position (GRCh38, 1-based): chr2:144,389,759, A>T on the plus strand (T>A on the coding strand, the complement: ZEB2 is on the minus strand). VCF-style: chr2-144389759-A-T. GRCh37 (hg19) VCF-style: chr2-145147326-A-T.
Other names: p.L1113M:TTG>ATG; c.3265T>A, p.Leu1089Met (NM_001171653.2); short protein forms L1113M, L1089M.
Identifiers: ClinVar variation 181747 (VCV000181747.12), dbSNP rs730881204, ClinGen allele CA297621.

ClinVar aggregate classification (germline): Conflicting classifications of pathogenicity. Review status: criteria provided, conflicting classifications (1 of 4 stars). 3 submissions from 3 submitters: Uncertain significance (1); Likely benign (2). Last evaluated 2024-01-02.

Conditions:
Inborn genetic diseases. Identifiers: MedGen C0950123, MeSH D030342.
Mowat-Wilson syndrome (MOWS). Also called: Classic Mowat-Wilson Syndrome. Identifiers: Orphanet 2152, MedGen C1856113, MONDO:0009341, OMIM 235730.

Allele frequency attached by ClinVar (database versions not stated): gnomAD 0.00001.
gnomAD v4.1: 6 of 1,608,810 alleles (0.00037%); highest among the groups gnomAD compares: Non-Finnish European, 0.00051%; no homozygotes.

Submissions (3):

Labcorp Genetics (formerly Invitae), Labcorp
Classification: Likely benign for Mowat-Wilson syndrome. Last evaluated: 2024-01-02. Review status: criteria provided, single submitter. Criteria: Invitae Variant Classification Sherloc (09022015). Collection method: clinical testing. Allele origin: germline.

Ambry Genetics
Classification: Uncertain significance for Inborn genetic diseases. Last evaluated: 2022-06-17. Review status: criteria provided, single submitter. Criteria: Ambry Variant Classification Scheme 2023. Collection method: clinical testing. Allele origin: germline.

GeneDx
Classification: Likely benign. Last evaluated: 2015-07-17. Review status: criteria provided, single submitter. Criteria: GeneDx Variant Classification (06012015). Collection method: clinical testing. Allele origin: germline. Affected: yes.
Comment: This variant is considered likely benign or benign based on one or more of the following criteria: it is a conservative change, it occurs at a poorly conserved position in the protein, it is predicted to be benign by multiple in silico algorithms, and/or has population frequency not consistent with disease.